The following is an entry in ClinVar:

ClinVar aggregate classification (germline): Benign (0 of 4 stars; one submission).

Conditions:
FSIP2-related disorder. Also called: FSIP2-related condition.

Allele frequency attached by ClinVar (database versions not stated): TOPMed 0.53211; 1000 Genomes Project 30x 0.53919; 1000 Genomes Project 0.54054; gnomAD exomes 0.54220; ExAC 0.58494.
gnomAD v4.1: 830,354 of 1,531,182 alleles (54%); highest among the groups gnomAD compares: South Asian, 64%; 226,732 homozygotes.

Submission:

PreventionGenetics, part of Exact Sciences
Classification: Benign for FSIP2-related condition. Last evaluated: 2019-10-17. Review status: no assertion criteria provided. Collection method: clinical testing. Allele origin: germline.
Comment: This variant is classified as benign based on ACMG/AMP sequence variant interpretation guidelines (Richards et al. 2015 PMID: 25741868, with internal and published modifications).

NM_173651.4(FSIP2):c.10930C>A (p.Leu3644Ile)

Gene: FSIP2 (fibrous sheath interacting protein 2; plus strand). Cytogenetic location: 2q32.1.
Variant type: single nucleotide variant.
Coding change: c.10930C>A on transcript NM_173651.4 (MANE Select); coding-DNA position 10930, C replaced by A.
Protein change: p.Leu3644Ile; replaces leucine 3644 with isoleucine.
Molecular consequence: missense variant.
Genome position (GRCh38, 1-based): chr2:185,800,236, C>A. VCF-style: chr2-185800236-C-A. GRCh37 (hg19) VCF-style: chr2-186664963-C-A.
Other names: short protein forms L3644I.
Identifiers: ClinVar variation 3059153 (VCV003059153.2), dbSNP rs10931200, ClinGen allele CA2016933.
Genomic context (GRCh38, chr2:185,800,236, plus strand): 5'-CACTTTGAAAGCAATGTAAGAAACAAATCATTTTCTATGCATAGAAATAATAGTGTACCC[C>A]TTTGCAACAAAATCAATAGACAGGCAAGCCCCAGAGACTGGCAATTTTCTACTCAACAAA-3'
Protein context (NP_775922.3, residues 3634-3654): FSMHRNNSVP[Leu3644Ile]CNKINRQASP